The following is an entry in ClinVar:

NM_003482.4(KMT2D):c.3510C>T (p.Pro1170=)

Genes: KMT2D (lysine methyltransferase 2D; minus strand), LOC126861520 (CDK7 strongly-dependent group 2 enhancer GRCh37_chr12:49442744-49443943; plus strand). Cytogenetic location: 12q13.12.
Variant type: single nucleotide variant.
Coding change: c.3510C>T on transcript NM_003482.4 (MANE Select); coding-DNA position 3510, C replaced by T.
Protein change: p.Pro1170=; no amino-acid change (proline 1170 retained).
Molecular consequence: synonymous variant.
Genome position (GRCh38, 1-based): chr12:49,050,078, G>A on the plus strand (C>T on the coding strand, the complement: KMT2D is on the minus strand). VCF-style: chr12-49050078-G-A. GRCh37 (hg19) VCF-style: chr12-49443861-G-A.
Identifiers: ClinVar variation 2570828 (VCV002570828.30), dbSNP rs753348269, ClinGen allele CA479713696.

ClinVar aggregate classification (germline): Likely benign. Review status: criteria provided, multiple submitters, no conflicts (2 of 4 stars). 2 submissions from 2 submitters: Likely benign (2). Last evaluated 2024-10-30.

Conditions:
Kabuki syndrome. Also called: NIIKAWA-KUROKI SYNDROME; Kabuki make-up syndrome. Identifiers: Orphanet 2322, MedGen C0796004, MONDO:0016512.

Allele frequency attached by ClinVar (database versions not stated): gnomAD 0.00001; TOPMed 0.00001.
gnomAD v4.1: 10 of 1,613,562 alleles (0.00062%); highest among the groups gnomAD compares: East Asian, 0.0067%; no homozygotes.

Submissions (2):

Labcorp Genetics (formerly Invitae), Labcorp
Classification: Likely benign for Kabuki syndrome. Last evaluated: 2024-10-30. Review status: criteria provided, single submitter. Criteria: Invitae Variant Classification Sherloc (09022015). Collection method: clinical testing. Allele origin: germline.

CeGaT Center for Human Genetics Tuebingen
Classification: Likely benign. Last evaluated: 2023-04-01. Review status: criteria provided, single submitter. Criteria: CeGaT Center For Human Genetics Tuebingen Variant Classification Criteria Version 2. Collection method: clinical testing. Allele origin: germline. Affected: yes. Observed: 1 variant allele.
Comment: KMT2D: BP4, BP7